The following is an entry in ClinVar:

ClinVar aggregate classification (germline): Uncertain significance (1 of 4 stars; one submission).

Conditions:
Hereditary cancer-predisposing syndrome. Also called: Tumor predisposition; Hereditary neoplastic syndrome; Hereditary Cancer Syndrome; Neoplastic Syndromes, Hereditary. Identifiers: Orphanet 140162, MedGen C0027672, MeSH D009386, MONDO:0015356.

Submission:

Ambry Genetics
Classification: Uncertain significance for Hereditary cancer-predisposing syndrome. Last evaluated: 2025-05-21. Review status: criteria provided, single submitter. Criteria: Ambry Variant Classification Scheme 2023. Collection method: clinical testing. Allele origin: germline.
Comment: The p.I105T variant (also known as c.314T>C), located in coding exon 3 of the ATM gene, results from a T to C substitution at nucleotide position 314. The isoleucine at codon 105 is replaced by threonine, an amino acid with similar properties. This amino acid position is conserved. In addition, this alteration is predicted to be deleterious by in silico analysis. Based on the available evidence, the clinical significance of this variant remains unclear.

NM_000051.4(ATM):c.314T>C (p.Ile105Thr)

Gene: ATM (ATM serine/threonine kinase; plus strand). Cytogenetic location: 11q22.3.
Variant type: single nucleotide variant.
Coding change: c.314T>C on transcript NM_000051.4 (MANE Select); coding-DNA position 314, T replaced by C.
Protein change: p.Ile105Thr; replaces isoleucine 105 with threonine.
Molecular consequence: missense variant.
Genome position (GRCh38, 1-based): chr11:108,229,306, T>C. VCF-style: chr11-108229306-T-C. GRCh37 (hg19) VCF-style: chr11-108100033-T-C.
Other names: c.314T>C, p.Ile105Thr (NM_001351834.2, NM_001351835.2, NM_001351836.2); short protein forms I105T.
Identifiers: ClinVar variation 3967291 (VCV003967291.1).